The following is an entry in ClinVar:

ClinVar aggregate classification (germline): Uncertain significance. Review status: criteria provided, single submitter (1 of 4 stars). 2 submissions from 2 submitters: Uncertain significance (1). 1 of the submissions does not count toward it. Last evaluated 2025-05-12.

Conditions:
Retinal dystrophy. Also called: Inherited retinal dystrophy. Identifiers: Orphanet 71862, MedGen C0854723, MeSH D058499, MONDO:0019118, HP:0000556.

Allele frequency attached by ClinVar (database versions not stated): gnomAD exomes 0.00001; ExAC 0.00002.

Submissions (2):

Labcorp Genetics (formerly Invitae), Labcorp
Classification: Uncertain significance. Last evaluated: 2025-05-12. Review status: criteria provided, single submitter. Criteria: Invitae Variant Classification Sherloc (09022015). Collection method: clinical testing. Allele origin: germline.
Comment: This sequence change replaces serine, which is neutral and polar, with cysteine, which is neutral and slightly polar, at codon 567 of the AHR protein (p.Ser567Cys). This variant is present in population databases (rs769792376, gnomAD 0.007%). This variant has not been reported in the literature in individuals affected with AHR-related conditions. ClinVar contains an entry for this variant (Variation ID: 1378733). An algorithm developed to predict the effect of missense changes on protein structure and function (PolyPhen-2) suggests that this variant is likely to be tolerated. In summary, the available evidence is currently insufficient to determine the role of this variant in disease. Therefore, it has been classified as a Variant of Uncertain Significance.

Institute of Human Genetics, Univ. Regensburg, Univ. Regensburg
Classification: Uncertain significance for Retinal dystrophy. Last evaluated: 2023-01-01. Review status: no assertion criteria provided. Criteria: ACMG Guidelines, 2015. Collection method: clinical testing. Allele origin: germline. Affected: yes. Not counted in ClinVar's aggregate classification.

NM_001621.5(AHR):c.1700C>G (p.Ser567Cys)

Gene: AHR (aryl hydrocarbon receptor; plus strand). Cytogenetic location: 7p21.1.
Variant type: single nucleotide variant.
Coding change: c.1700C>G on transcript NM_001621.5 (MANE Select); coding-DNA position 1700, C replaced by G.
Protein change: p.Ser567Cys; replaces serine 567 with cysteine.
Molecular consequence: missense variant.
Genome position (GRCh38, 1-based): chr7:17,339,525, C>G. VCF-style: chr7-17339525-C-G. GRCh37 (hg19) VCF-style: chr7-17379149-C-G.
Other names: short protein forms S567C.
Identifiers: ClinVar variation 1378733 (VCV001378733.7), dbSNP rs769792376, ClinGen allele CA4172167.